The following is an entry in ClinVar:

NM_001363711.2(DUOX2):c.513+6G>T

Gene: DUOX2 (dual oxidase 2; minus strand). Cytogenetic location: 15q21.1.
Variant type: single nucleotide variant.
Coding change: c.513+6G>T on transcript NM_001363711.2 (MANE Select); 6 bases into the intron after coding-DNA position 513, G replaced by T.
Molecular consequence: intron variant.
Genome position (GRCh38, 1-based): chr15:45,111,762, C>A on the plus strand (G>T on the coding strand, the complement: DUOX2 is on the minus strand). VCF-style: chr15-45111762-C-A. GRCh37 (hg19) VCF-style: chr15-45403960-C-A.
Other names: c.513+6G>T (NM_014080.5).
Identifiers: ClinVar variation 1493034 (VCV001493034.4), dbSNP rs1177312913, ClinGen allele CA618006753.

ClinVar aggregate classification (germline): Uncertain significance. Review status: criteria provided, multiple submitters, no conflicts (2 of 4 stars). 2 submissions from 2 submitters: Uncertain significance (2). Last evaluated 2022-10-30.

Submissions (2):

Labcorp Genetics (formerly Invitae), Labcorp
Classification: Uncertain significance. Last evaluated: 2022-10-30. Review status: criteria provided, single submitter. Criteria: Invitae Variant Classification Sherloc (09022015). Collection method: clinical testing. Allele origin: germline.
Comment: This sequence change falls in intron 5 of the DUOX2 gene. It does not directly change the encoded amino acid sequence of the DUOX2 protein. It affects a nucleotide within the consensus splice site. The frequency data for this variant in the population databases is considered unreliable, as metrics indicate poor data quality at this position in the gnomAD database. This variant has not been reported in the literature in individuals affected with DUOX2-related conditions. ClinVar contains an entry for this variant (Variation ID: 1493034). Variants that disrupt the consensus splice site are a relatively common cause of aberrant splicing (PMID: 17576681, 9536098). Algorithms developed to predict the effect of sequence changes on RNA splicing suggest that this variant may disrupt the consensus splice site. In summary, the available evidence is currently insufficient to determine the role of this variant in disease. Therefore, it has been classified as a Variant of Uncertain Significance.

Breakthrough Genomics
Classification: Uncertain significance. Review status: criteria provided, single submitter. Criteria: ACMG Guidelines, 2015. Collection method: not provided. Allele origin: germline. Inheritance: Autosomal recessive inheritance. Affected: yes.

Literature cited by the submitters: PubMed 17576681 (cited by Labcorp Genetics (formerly Invitae), Labcorp); PubMed 9536098 (cited by Labcorp Genetics (formerly Invitae), Labcorp).